The following is an entry in ClinVar:

ClinVar aggregate classification (germline): Uncertain significance (1 of 4 stars; one submission).

Conditions:
Familial adenomatous polyposis 1 (FAP1). Also called: FAMILIAL ADENOMATOUS POLYPOSIS 1, ATTENUATED; POLYPOSIS, ADENOMATOUS INTESTINAL. Identifiers: MedGen C2713442, MONDO:0021056, OMIM 175100. Disease mechanism: loss of function.

Submission:

Labcorp Genetics (formerly Invitae), Labcorp
Classification: Uncertain significance for Familial adenomatous polyposis 1. Last evaluated: 2022-01-27. Review status: criteria provided, single submitter. Criteria: Invitae Variant Classification Sherloc (09022015). Collection method: clinical testing. Allele origin: germline.
Comment: This variant has not been reported in the literature in individuals affected with APC-related conditions. This variant is not present in population databases (gnomAD no frequency). This variant occurs in a non-coding region of the APC gene. It does not change the encoded amino acid sequence of the APC protein. ClinVar contains an entry for this variant (Variation ID: 649560). In summary, the available evidence is currently insufficient to determine the role of this variant in disease. Therefore, it has been classified as a Variant of Uncertain Significance. Experimental studies and prediction algorithms are not available or were not evaluated, and the functional significance of this variant is currently unknown.

NM_001127511.3(APC):c.85G>T (p.Gly29Cys)

Gene: APC (APC regulator of Wnt signaling pathway; plus strand). Cytogenetic location: 5q22.2.
Variant type: single nucleotide variant.
Coding change: c.85G>T on transcript NM_001127511.3; coding-DNA position 85, G replaced by T.
Protein change: p.Gly29Cys; replaces glycine 29 with cysteine.
Molecular consequence: missense variant. On other transcripts: 5 prime UTR variant (8), non-coding transcript variant (1), intron variant (5).
Genome position (GRCh38, 1-based): chr5:112,707,802, G>T. VCF-style: chr5-112707802-G-T. GRCh37 (hg19) VCF-style: chr5-112043499-G-T.
Other names: c.-99G>T (NM_001354895.2, NM_001407447.1, NM_001407452.1 and 3 more transcripts); c.85G>T, p.Gly29Cys (NM_001354897.2, NM_001354902.2, NM_001407446.1); c.-1134G>T (NM_001407470.1, NM_001407472.1); c.-19+153G>T (NM_001407448.1, NM_001407450.1, NM_001407457.1 and 1 more transcripts); c.-43+153G>T (NM_001407453.1); short protein forms G29C.
Identifiers: ClinVar variation 649560 (VCV000649560.11), dbSNP rs1580996980, ClinGen allele CA360611915.